The following is an entry in ClinVar:

NM_014140.4(SMARCAL1):c.1147+8G>A

Gene: SMARCAL1 (SNF2 related chromatin remodeling annealing helicase 1; plus strand). Cytogenetic location: 2q35.
Variant type: single nucleotide variant.
Coding change: c.1147+8G>A on transcript NM_014140.4 (MANE Select); 8 bases into the intron after coding-DNA position 1147, G replaced by A.
Molecular consequence: intron variant.
Genome position (GRCh38, 1-based): chr2:216,423,691, G>A. VCF-style: chr2-216423691-G-A. GRCh37 (hg19) VCF-style: chr2-217288414-G-A.
Other names: c.1147+8G>A (NM_001127207.2).
Identifiers: ClinVar variation 334294 (VCV000334294.28), dbSNP rs759562755, ClinGen allele CA2097787.

ClinVar aggregate classification (germline): Conflicting classifications of pathogenicity. Review status: criteria provided, conflicting classifications (1 of 4 stars). 6 submissions from 6 submitters: Uncertain significance (2); Likely benign (1). 3 of the submissions do not count toward it. Last evaluated 2026-01-20.

Conditions:
Schimke immuno-osseous dysplasia (SIOD). Also called: Schimke Immunoosseous Dysplasia. Identifiers: Orphanet 1830, MedGen C0877024, MONDO:0009458, OMIM 242900.
SMARCAL1-related disorder. Also called: SMARCAL1-related condition.

Allele frequency attached by ClinVar (database versions not stated): ExAC 0.00004; gnomAD 0.00004; gnomAD exomes 0.00004 and 0.00006; TOPMed 0.00005.
gnomAD v4.1: 67 of 1,607,998 alleles (0.0042%); highest among the groups gnomAD compares: Middle Eastern, 0.066%; 1 homozygote.

Submissions (6):

Labcorp Genetics (formerly Invitae), Labcorp
Classification: Likely benign for Schimke immuno-osseous dysplasia. Last evaluated: 2026-01-20. Review status: criteria provided, single submitter. Criteria: Invitae Variant Classification Sherloc (09022015). Collection method: clinical testing. Allele origin: germline.

CeGaT Center for Human Genetics Tuebingen
Classification: Uncertain significance. Last evaluated: 2025-06-01. Review status: criteria provided, single submitter. Criteria: CeGaT Center For Human Genetics Tuebingen Variant Classification Criteria Version 2. Collection method: clinical testing. Allele origin: germline. Affected: yes. Observed: 1 variant allele.
Comment: SMARCAL1: PM2, BP4

Illumina Laboratory Services, Illumina
Classification: Uncertain significance for Schimke immuno-osseous dysplasia. Last evaluated: 2018-01-13. Review status: criteria provided, single submitter. Criteria: ICSL Variant Classification Criteria 13 December 2019. Collection method: clinical testing. Allele origin: germline.

Natera, Inc.
Classification: Likely benign for Schimke immuno-osseous dysplasia. Last evaluated: 2020-06-04. Review status: no assertion criteria provided. Collection method: clinical testing. Allele origin: germline. Not counted in ClinVar's aggregate classification.

PreventionGenetics, part of Exact Sciences
Classification: Likely benign for SMARCAL1-related condition. Last evaluated: 2019-11-11. Review status: no assertion criteria provided. Collection method: clinical testing. Allele origin: germline. Not counted in ClinVar's aggregate classification.
Comment: This variant is classified as likely benign based on ACMG/AMP sequence variant interpretation guidelines (Richards et al. 2015 PMID: 25741868, with internal and published modifications).

Bioscientia Institut fuer Medizinische Diagnostik GmbH, Sonic Healthcare
Classification: Uncertain significance for Schimke immuno-osseous dysplasia. Last evaluated: 2019-01-15. Review status: no assertion criteria provided. Collection method: clinical testing. Allele origin: germline. Affected: yes. Not counted in ClinVar's aggregate classification.